The following is an entry in ClinVar:

ClinVar aggregate classification (germline): Benign (1 of 4 stars; one submission).

Allele frequency attached by ClinVar (database versions not stated): gnomAD 0.39304 and 0.40028; TOPMed 0.40170; 1000 Genomes Project 30x 0.40537; 1000 Genomes Project 0.40875.
gnomAD v4.1: 60,942 of 152,124 alleles (40%); highest among the groups gnomAD compares: Admixed American, 57%; 13,420 homozygotes.

Submission:

GeneDx
Classification: Benign. Last evaluated: 2018-06-14. Review status: criteria provided, single submitter. Criteria: GeneDx Variant Classification (06012015). Collection method: clinical testing. Allele origin: germline. Affected: yes.
Comment: This variant is considered likely benign or benign based on one or more of the following criteria: it is a conservative change, it occurs at a poorly conserved position in the protein, it is predicted to be benign by multiple in silico algorithms, and/or has population frequency not consistent with disease.

NM_000093.5(COL5A1):c.787-180G>A

Gene: COL5A1 (collagen type V alpha 1 chain; plus strand). Cytogenetic location: 9q34.3.
Variant type: single nucleotide variant.
Coding change: c.787-180G>A on transcript NM_000093.5 (MANE Select); 180 bases into the intron before coding-DNA position 787, G replaced by A.
Molecular consequence: intron variant.
Genome position (GRCh38, 1-based): chr9:134,728,490, G>A. VCF-style: chr9-134728490-G-A. GRCh37 (hg19) VCF-style: chr9-137620336-G-A.
Other names: c.787-180G>A (NM_001278074.1).
Identifiers: ClinVar variation 672242 (VCV000672242.1), dbSNP rs3128595, ClinGen allele CA12975116.